The following is an entry in ClinVar:

NM_001365902.3(NFIX):c.303C>G (p.Pro101=)

Gene: NFIX (nuclear factor I X; plus strand). Cytogenetic location: 19p13.13.
Variant type: single nucleotide variant.
Coding change: c.303C>G on transcript NM_001365902.3 (MANE Select); coding-DNA position 303, C replaced by G.
Protein change: p.Pro101=; no amino-acid change (proline 101 retained).
Molecular consequence: synonymous variant.
Genome position (GRCh38, 1-based): chr19:13,025,296, C>G. VCF-style: chr19-13025296-C-G. GRCh37 (hg19) VCF-style: chr19-13136110-C-G.
Other names: c.327C>G, p.Pro109= (NM_001271043.2); c.279C>G, p.Pro93= (NM_001271044.3, NM_001378404.1); c.303C>G, p.Pro101= (NM_001365982.2, NM_002501.4); c.162C>G, p.Pro54= (NM_001365983.2); c.300C>G, p.Pro100= (NM_001365984.2, NM_001365985.2); c.351C>G, p.Pro117= (NM_001378405.1).
Identifiers: ClinVar variation 2649363 (VCV002649363.24), dbSNP rs781518589, ClinGen allele CA9236974.

ClinVar aggregate classification (germline): Likely benign (1 of 4 stars; one submission).

Allele frequency attached by ClinVar (database versions not stated): TOPMed 0.00001; ExAC 0.00002.
gnomAD v4.1: 19 of 1,613,962 alleles (0.0012%); highest among the groups gnomAD compares: Non-Finnish European, 0.0015%; no homozygotes.

Submission:

CeGaT Center for Human Genetics Tuebingen
Classification: Likely benign. Last evaluated: 2022-08-01. Review status: criteria provided, single submitter. Criteria: CeGaT Center For Human Genetics Tuebingen Variant Classification Criteria Version 2. Collection method: clinical testing. Allele origin: germline. Affected: yes. Observed: 1 variant allele.
Comment: NFIX: BP4, BP7